The following is an entry in ClinVar:

NM_005343.4(HRAS):c.203G>A (p.Arg68Gln)

Genes: HRAS (HRas proto-oncogene, GTPase; minus strand), LRRC56 (leucine rich repeat containing 56; plus strand). Cytogenetic location: 11p15.5.
Variant type: single nucleotide variant.
Coding change: c.203G>A on transcript NM_005343.4 (MANE Select); coding-DNA position 203, G replaced by A.
Protein change: p.Arg68Gln; replaces arginine 68 with glutamine.
Molecular consequence: missense variant. On other transcripts: 5 prime UTR variant (1).
Genome position (GRCh38, 1-based): chr11:533,853, C>T on the plus strand (G>A on the coding strand, the complement: HRAS is on the minus strand). VCF-style: chr11-533853-C-T. GRCh37 (hg19) VCF-style: chr11-533853-C-T.
Other names: c.203G>A, p.Arg68Gln (NM_001130442.3, NM_176795.5); c.-117G>A (NM_001318054.2); short protein forms R68Q.
Identifiers: ClinVar variation 180849 (VCV000180849.11), dbSNP rs730880461, ClinGen allele CA296059.

ClinVar aggregate classification (germline): Uncertain significance. Review status: criteria provided, multiple submitters, no conflicts (2 of 4 stars). 4 submissions from 4 submitters: Uncertain significance (3). 1 of the submissions does not count toward it. Last evaluated 2023-10-24.

Conditions:
Costello syndrome (CSTLO). Also called: HRAS-Related Costello Syndrome; FACIOCUTANEOSKELETAL SYNDROME; FCS SYNDROME. Identifiers: Orphanet 3071, MedGen C0587248, MONDO:0009026, OMIM 218040.

Allele frequency attached by ClinVar (database versions not stated): gnomAD exomes below 0.00001; ExAC 0.00001.
gnomAD v4.1: 1 of 1,613,366 alleles (0.000062%); highest among the groups gnomAD compares: Non-Finnish European, 0.000085%; no homozygotes.

Submissions (4):

Clinical Genetics Laboratory, Skane University Hospital Lund
Classification: Uncertain significance. Last evaluated: 2023-10-24. Review status: criteria provided, single submitter. Criteria: ACMG Guidelines, 2015. Collection method: clinical testing. Allele origin: germline. Affected: yes.

Women's Health and Genetics/Laboratory Corporation of America, LabCorp
Classification: Uncertain significance. Last evaluated: 2022-06-20. Review status: criteria provided, single submitter. Criteria: LabCorp Variant Classification Summary - May 2015. Collection method: clinical testing. Allele origin: germline.
Comment: Variant summary: HRAS c.203G>A (p.Arg68Gln) results in a conservative amino acid change located in the Small GTP-binding protein domain of the encoded protein sequence. Four of five in-silico tools predict a damaging effect of the variant on protein function. The variant allele was found at a frequency of 4e-06 in 251316 control chromosomes. The available data on variant occurrences in the general population are insufficient to allow any conclusion about variant significance. c.203G>A has been reported in the literature in an exome case with primary phenotype of abnormality of metabolism/homeostasis (Retterer_2015). This report does not provide unequivocal conclusions about association of the variant with Costello Syndrome. To our knowledge, no experimental evidence demonstrating an impact on protein function has been reported. One clinical diagnostic laboratory has submitted clinical-significance assessments for this variant to ClinVar after 2014 without evidence for independent evaluation. One laboratory classified the variant as uncertain significance. A different variant at the same codon (p.R68W) has been reported in association with Hypertrophy, left ventricular in HGMD. Based on the evidence outlined above, the variant was classified as uncertain significance.

Labcorp Genetics (formerly Invitae), Labcorp
Classification: Uncertain significance for Costello syndrome. Last evaluated: 2022-02-05. Review status: criteria provided, single submitter. Criteria: Invitae Variant Classification Sherloc (09022015). Collection method: clinical testing. Allele origin: germline.
Comment: In summary, the available evidence is currently insufficient to determine the role of this variant in disease. Therefore, it has been classified as a Variant of Uncertain Significance. Advanced modeling of protein sequence and biophysical properties (such as structural, functional, and spatial information, amino acid conservation, physicochemical variation, residue mobility, and thermodynamic stability) performed at Invitae indicates that this missense variant is expected to disrupt HRAS protein function. ClinVar contains an entry for this variant (Variation ID: 180849). This missense change has been observed in individual(s) with an abnormality of metabolism/homeostasis (PMID: 26633542). The frequency data for this variant in the population databases is considered unreliable, as metrics indicate poor data quality at this position in the gnomAD database. This sequence change replaces arginine, which is basic and polar, with glutamine, which is neutral and polar, at codon 68 of the HRAS protein (p.Arg68Gln).

Service de Génétique Moléculaire, Hôpital Robert Debré
Classification: Uncertain significance for Costello syndrome. Review status: no assertion criteria provided. Collection method: clinical testing. Allele origin: unknown. Affected: yes. Observed: 1 variant allele. Not counted in ClinVar's aggregate classification.

Literature cited by the submitters: PubMed 26633542 (cited by Women's Health and Genetics/Laboratory Corporation of America, LabCorp and Labcorp Genetics (formerly Invitae), Labcorp).